The following is an entry in ClinVar:

NM_172201.2(KCNE2):c.101A>G (p.Gln34Arg)

Genes: KCNE2 (potassium voltage-gated channel subfamily E regulatory subunit 2; plus strand), LOC105372791 (uncharacterized LOC105372791; minus strand). Cytogenetic location: 21q22.11.
Variant type: single nucleotide variant.
Coding change: c.101A>G on transcript NM_172201.2 (MANE Select); coding-DNA position 101, A replaced by G.
Protein change: p.Gln34Arg; replaces glutamine 34 with arginine.
Molecular consequence: missense variant. On other transcripts: non-coding transcript variant (2).
Genome position (GRCh38, 1-based): chr21:34,370,579, A>G. VCF-style: chr21-34370579-A-G. GRCh37 (hg19) VCF-style: chr21-35742878-A-G.
Other names: short protein forms Q34R.
Identifiers: ClinVar variation 3722940 (VCV003722940.2).
Genomic context (GRCh38, chr21:34,370,579, plus strand): 5'-TCTTCCGAAGGATTTTTATTACTTATATGGACAATTGGCGCCAGAACACAACAGCTGAGC[A>G]AGAGGCCCTCCAAGCCAAAGTTGATGCTGAGAACTTCTACTATGTCATCCTGTACCTCAT-3'
Protein context (NP_751951.1, residues 24-44): DNWRQNTTAE[Gln34Arg]EALQAKVDAE

ClinVar aggregate classification (germline): Uncertain significance (1 of 4 stars; one submission).

Conditions:
Long QT syndrome 6 (LQT6). Identifiers: Orphanet 101016, Orphanet 768, MedGen C3150953, MONDO:0013370, OMIM 613693.

Submission:

Labcorp Genetics (formerly Invitae), Labcorp
Classification: Uncertain significance for Long QT syndrome 6. Last evaluated: 2024-10-20. Review status: criteria provided, single submitter. Criteria: Invitae Variant Classification Sherloc (09022015). Collection method: clinical testing. Allele origin: germline.
Comment: This sequence change replaces glutamine, which is neutral and polar, with arginine, which is basic and polar, at codon 34 of the KCNE2 protein (p.Gln34Arg). This variant is not present in population databases (gnomAD no frequency). This variant has not been reported in the literature in individuals affected with KCNE2-related conditions. An algorithm developed to predict the effect of missense changes on protein structure and function (PolyPhen-2) suggests that this variant is likely to be tolerated. In summary, the available evidence is currently insufficient to determine the role of this variant in disease. Therefore, it has been classified as a Variant of Uncertain Significance.